The following is an entry in ClinVar:

ClinVar aggregate classification (germline): Likely benign. Review status: criteria provided, single submitter (1 of 4 stars). 2 submissions from 2 submitters: Likely benign (1). 1 of the submissions does not count toward it. Last evaluated 2025-11-07.

Conditions:
AIRE-related disorder. Also called: AIRE-related condition.
Polyglandular autoimmune syndrome, type 1 (APS1). Also called: HYPOADRENOCORTICISM WITH HYPOPARATHYROIDISM AND SUPERFICIAL MONILIASIS; Autoimmune polyendocrinopathy syndrome , type I, with or without reversible metaphyseal dysplasia; Autoimmune polyendocrine syndrome type 1; AUTOIMMUNE POLYENDOCRINE SYNDROME, TYPE I, WITH OR WITHOUT REVERSIBLE METAPHYSEAL DYSPLASIA; APS I; Whitaker syndrome. Identifiers: Orphanet 3453, MedGen C0085859, MONDO:0009411, OMIM 240300.

Allele frequency attached by ClinVar (database versions not stated): gnomAD exomes below 0.00001; ExAC 0.00001; TOPMed 0.00003; gnomAD 0.00005.

Submissions (2):

Labcorp Genetics (formerly Invitae), Labcorp
Classification: Likely benign for Polyglandular autoimmune syndrome, type 1. Last evaluated: 2025-11-07. Review status: criteria provided, single submitter. Criteria: Invitae Variant Classification Sherloc (09022015). Collection method: clinical testing. Allele origin: germline.

PreventionGenetics, part of Exact Sciences
Classification: Likely benign for AIRE-related condition. Last evaluated: 2023-08-18. Review status: no assertion criteria provided. Collection method: clinical testing. Allele origin: germline. Not counted in ClinVar's aggregate classification.
Comment: This variant is classified as likely benign based on ACMG/AMP sequence variant interpretation guidelines (Richards et al. 2015 PMID: 25741868, with internal and published modifications).

NM_000383.4(AIRE):c.915C>T (p.Gly305=)

Gene: AIRE (autoimmune regulator; plus strand). Cytogenetic location: 21q22.3.
Variant type: single nucleotide variant.
Coding change: c.915C>T on transcript NM_000383.4 (MANE Select); coding-DNA position 915, C replaced by T.
Protein change: p.Gly305=; no amino-acid change (glycine 305 retained).
Molecular consequence: synonymous variant.
Genome position (GRCh38, 1-based): chr21:44,291,130, C>T. VCF-style: chr21-44291130-C-T. GRCh37 (hg19) VCF-style: chr21-45711013-C-T.
Identifiers: ClinVar variation 3058020 (VCV003058020.3), dbSNP rs749284009, ClinGen allele CA10051857.